The following is an entry in ClinVar:

NM_002470.4(MYH3):c.2846C>T (p.Ser949Leu)

Gene: MYH3 (myosin heavy chain 3; minus strand). Cytogenetic location: 17p13.1.
Variant type: single nucleotide variant.
Coding change: c.2846C>T on transcript NM_002470.4 (MANE Select); coding-DNA position 2846, C replaced by T.
Protein change: p.Ser949Leu; replaces serine 949 with leucine.
Molecular consequence: missense variant.
Genome position (GRCh38, 1-based): chr17:10,639,639, G>A on the plus strand (C>T on the coding strand, the complement: MYH3 is on the minus strand). VCF-style: chr17-10639639-G-A. GRCh37 (hg19) VCF-style: chr17-10542956-G-A.
Other names: short protein forms S949L.
Identifiers: ClinVar variation 2196619 (VCV002196619.4), dbSNP rs761639679, ClinGen allele CA8392670.

ClinVar aggregate classification (germline): Uncertain significance (1 of 4 stars; one submission).

Allele frequency attached by ClinVar (database versions not stated): gnomAD exomes 0.00001; ExAC 0.00002; gnomAD 0.00002.
gnomAD v4.1: 13 of 1,613,896 alleles (0.00081%); highest among the groups gnomAD compares: Admixed American, 0.0017%; no homozygotes.

Submission:

Labcorp Genetics (formerly Invitae), Labcorp
Classification: Uncertain significance. Last evaluated: 2024-02-14. Review status: criteria provided, single submitter. Criteria: Invitae Variant Classification Sherloc (09022015). Collection method: clinical testing. Allele origin: germline.
Comment: This sequence change replaces serine, which is neutral and polar, with leucine, which is neutral and non-polar, at codon 949 of the MYH3 protein (p.Ser949Leu). This variant is present in population databases (rs761639679, gnomAD 0.006%). This variant has not been reported in the literature in individuals affected with MYH3-related conditions. ClinVar contains an entry for this variant (Variation ID: 2196619). Advanced modeling of protein sequence and biophysical properties (such as structural, functional, and spatial information, amino acid conservation, physicochemical variation, residue mobility, and thermodynamic stability) performed at Invitae indicates that this missense variant is not expected to disrupt MYH3 protein function with a negative predictive value of 95%. In summary, the available evidence is currently insufficient to determine the role of this variant in disease. Therefore, it has been classified as a Variant of Uncertain Significance.